The following is an entry in ClinVar:

ClinVar aggregate classification (germline): Conflicting classifications of pathogenicity. Review status: criteria provided, conflicting classifications (1 of 4 stars). 2 submissions from 2 submitters: Uncertain significance (1); Likely benign (1). Last evaluated 2023-09-10.

Conditions:
Mosaic variegated aneuploidy syndrome 1 (MVA1). Also called: Warburton-Anyane-Yeboa syndrome. Identifiers: Orphanet 1052, MedGen C1850343, MONDO:0009759, OMIM 257300.

Allele frequency attached by ClinVar (database versions not stated): gnomAD exomes below 0.00001; gnomAD 0.00001.
gnomAD v4.1: 3 of 1,613,930 alleles (0.00019%); highest among the groups gnomAD compares: African/African-American, 0.0013%; no homozygotes.

Submissions (2):

Labcorp Genetics (formerly Invitae), Labcorp
Classification: Uncertain significance for Mosaic variegated aneuploidy syndrome 1. Last evaluated: 2023-09-10. Review status: criteria provided, single submitter. Criteria: Invitae Variant Classification Sherloc (09022015). Collection method: clinical testing. Allele origin: germline.
Comment: This sequence change affects codon 195 of the BUB1B mRNA. It is a 'silent' change, meaning that it does not change the encoded amino acid sequence of the BUB1B protein. This variant is not present in population databases (gnomAD no frequency). This variant has not been reported in the literature in individuals affected with BUB1B-related conditions. ClinVar contains an entry for this variant (Variation ID: 803065). Algorithms developed to predict the effect of sequence changes on RNA splicing suggest that this variant may create or strengthen a splice site. In summary, the available evidence is currently insufficient to determine the role of this variant in disease. Therefore, it has been classified as a Variant of Uncertain Significance.

Mendelics
Classification: Likely benign for Mosaic variegated aneuploidy syndrome 1. Last evaluated: 2019-05-28. Review status: criteria provided, single submitter. Criteria: Mendelics Assertion Criteria 2017. Collection method: clinical testing. Allele origin: unknown.

NM_001211.6(BUB1B):c.585A>G (p.Gln195=)

Gene: BUB1B (BUB1 mitotic checkpoint serine/threonine kinase B; plus strand). Cytogenetic location: 15q15.1.
Variant type: single nucleotide variant.
Coding change: c.585A>G on transcript NM_001211.6 (MANE Select); coding-DNA position 585, A replaced by G.
Protein change: p.Gln195=; no amino-acid change (glutamine 195 retained).
Molecular consequence: synonymous variant.
Genome position (GRCh38, 1-based): chr15:40,183,717, A>G. VCF-style: chr15-40183717-A-G. GRCh37 (hg19) VCF-style: chr15-40475918-A-G.
Identifiers: ClinVar variation 803065 (VCV000803065.4), dbSNP rs1595518738, ClinGen allele CA489706645.